The following is an entry in ClinVar:

NM_001379286.1(ZNF423):c.2759G>A (p.Arg920Gln)

Gene: ZNF423 (zinc finger protein 423; minus strand). Cytogenetic location: 16q12.1.
Variant type: single nucleotide variant.
Coding change: c.2759G>A on transcript NM_001379286.1 (MANE Select); coding-DNA position 2759, G replaced by A.
Protein change: p.Arg920Gln; replaces arginine 920 with glutamine.
Molecular consequence: missense variant.
Genome position (GRCh38, 1-based): chr16:49,636,417, C>T on the plus strand (G>A on the coding strand, the complement: ZNF423 is on the minus strand). VCF-style: chr16-49636417-C-T. GRCh37 (hg19) VCF-style: chr16-49670328-C-T.
Other names: c.2555G>A, p.Arg852Gln (NM_001271620.2); c.2384G>A, p.Arg795Gln (NM_001330533.2); c.2735G>A, p.Arg912Gln (NM_015069.5); short protein forms R795Q, R920Q, R852Q, R912Q.
Identifiers: ClinVar variation 2157651 (VCV002157651.26), dbSNP rs767903828, ClinGen allele CA8046436.

ClinVar aggregate classification (germline): Uncertain significance. Review status: criteria provided, multiple submitters, no conflicts (2 of 4 stars). 2 submissions from 2 submitters: Uncertain significance (2). Last evaluated 2023-03-01.

Conditions:
Nephronophthisis 14 (NPHP14). Identifiers: Orphanet 2318, MedGen C3539071, MONDO:0013916, OMIM 614844.

gnomAD v4.1: 19 of 1,613,222 alleles (0.0012%); highest among the groups gnomAD compares: Admixed American, 0.013%; no homozygotes.

Submissions (2):

CeGaT Center for Human Genetics Tuebingen
Classification: Uncertain significance. Last evaluated: 2023-03-01. Review status: criteria provided, single submitter. Criteria: CeGaT Center For Human Genetics Tuebingen Variant Classification Criteria Version 2. Collection method: clinical testing. Allele origin: germline. Affected: yes. Observed: 1 variant allele.
Comment: ZNF423: PM2

Labcorp Genetics (formerly Invitae), Labcorp
Classification: Uncertain significance for Nephronophthisis 14. Last evaluated: 2022-08-22. Review status: criteria provided, single submitter. Criteria: Invitae Variant Classification Sherloc (09022015). Collection method: clinical testing. Allele origin: germline.
Comment: In summary, the available evidence is currently insufficient to determine the role of this variant in disease. Therefore, it has been classified as a Variant of Uncertain Significance. Algorithms developed to predict the effect of missense changes on protein structure and function are either unavailable or do not agree on the potential impact of this missense change (SIFT: "Deleterious"; PolyPhen-2: "Benign"; Align-GVGD: "Class C0"). This variant has not been reported in the literature in individuals affected with ZNF423-related conditions. This variant is present in population databases (rs767903828, gnomAD 0.007%). This sequence change replaces arginine, which is basic and polar, with glutamine, which is neutral and polar, at codon 912 of the ZNF423 protein (p.Arg912Gln).